The following is an entry in ClinVar:

NM_032043.3(BRIP1):c.1878A>T (p.Glu626Asp)

Gene: BRIP1 (BRCA1 interacting DNA helicase 1; minus strand). Cytogenetic location: 17q23.2.
Variant type: single nucleotide variant.
Coding change: c.1878A>T on transcript NM_032043.3 (MANE Select); coding-DNA position 1878, A replaced by T.
Protein change: p.Glu626Asp; replaces glutamic acid 626 with aspartic acid.
Molecular consequence: missense variant.
Genome position (GRCh38, 1-based): chr17:61,780,318, T>A on the plus strand (A>T on the coding strand, the complement: BRIP1 is on the minus strand). VCF-style: chr17-61780318-T-A. GRCh37 (hg19) VCF-style: chr17-59857679-T-A.
Other names: short protein forms E626D.
Identifiers: ClinVar variation 920730 (VCV000920730.14), dbSNP rs1567812484, ClinGen allele CA400480043.
Genomic context (GRCh38, chr17:61,780,318, plus strand): 5'-AACCTGTGAATTTTTAATGATATGATTAGCCTCCAGCTGGATAGTAAATGTAACACCAAG[T>A]TCTGACGAAAAGGATTTCATTGGTGATAATGTACCAGATGTCAAAACAATGGTCTGAACT-3'
Protein context (NP_114432.2, residues 616-636): TLSPMKSFSS[Glu626Asp]LGVTFTIQLE

ClinVar aggregate classification (germline): Conflicting classifications of pathogenicity. Review status: criteria provided, conflicting classifications (1 of 4 stars). 5 submissions from 5 submitters: Pathogenic (2); Likely pathogenic (1); Uncertain significance (2). Last evaluated 2026-06-01.

Conditions:
Familial cancer of breast. Also called: BREAST CANCER, FAMILIAL; Hereditary breast cancer; hereditary breast carcinoma. Identifiers: Orphanet 227535, MedGen C0346153, MONDO:0016419, OMIM 114480. Disease mechanism: loss of function.
Fanconi anemia complementation group J. Also called: BRIP1-Related Fanconi Anemia. Identifiers: Orphanet 84, MedGen C1836860, MONDO:0012187, OMIM 609054.
Hereditary cancer-predisposing syndrome. Also called: Hereditary neoplastic syndrome; Neoplastic Syndromes, Hereditary; Hereditary Cancer Syndrome; Tumor predisposition. Identifiers: Orphanet 140162, MedGen C0027672, MeSH D009386, MONDO:0015356.

Allele frequency attached by ClinVar (database versions not stated): gnomAD exomes below 0.00001.
gnomAD v4.1: 1 of 1,612,032 alleles (0.000062%); highest among the groups gnomAD compares: South Asian, 0.0011%; no homozygotes.

Submissions (5):

GeneDx
Classification: Likely pathogenic. Last evaluated: 2026-06-01. Review status: criteria provided, single submitter. Criteria: GeneDx Variant Classification Process June 2021. Collection method: clinical testing. Allele origin: germline.
Comment: Observed in homozygous or apparent state in patients with Fanconi anemia in the literature and not observed in homozygous state in controls (PMID: 23285130); Not observed at significant frequency in large population cohorts (gnomAD); In silico analysis supports that this missense variant has a deleterious effect on protein structure/function; This variant is associated with the following publications: (PMID: 23285130, 26637282, 36894310)

Women's Health and Genetics/Laboratory Corporation of America, LabCorp
Classification: Pathogenic for Fanconi anemia complementation group J. Last evaluated: 2026-02-23. Review status: criteria provided, single submitter. Criteria: LabCorp Variant Classification Summary - May 2015. Collection method: clinical testing. Allele origin: germline.
Comment: Variant summary: BRIP1 c.1878A>T (p.Glu626Asp) results in a conservative amino acid change in the encoded protein sequence. Algorithms developed to predict the effect of missense changes on protein structure and function are either unavailable or do not agree on the potential impact of this missense change. The variant allele was found at a frequency of 4e-06 in 251446 control chromosomes. c.1878A>T has been observed in multiple individuals affected with Fanconi anemia and this variant co-segregated with the disease (Knies_2013, Matsuzaki_2015, Joshi_2023). These data indicate that the variant is very likely to be associated with disease. To our knowledge, no experimental evidence demonstrating an impact on protein function has been reported. The following publications have been ascertained in the context of this evaluation (PMID: 36894310, 23285130, 26637282). ClinVar contains an entry for this variant (Variation ID: 920730). Based on the evidence outlined above, the variant was classified as pathogenic.

Labcorp Genetics (formerly Invitae), Labcorp
Classification: Pathogenic for Familial cancer of breast; Fanconi anemia complementation group J. Last evaluated: 2025-11-01. Review status: criteria provided, single submitter. Criteria: Invitae Variant Classification Sherloc (09022015). Collection method: clinical testing. Allele origin: germline.
Comment: This sequence change replaces glutamic acid, which is acidic and polar, with aspartic acid, which is acidic and polar, at codon 626 of the BRIP1 protein (p.Glu626Asp). This variant is not present in population databases (gnomAD no frequency). This missense change has been observed in individual(s) with Fanconi anemia (PMID: 23285130, 26637282). It has also been observed to segregate with disease in related individuals. ClinVar contains an entry for this variant (Variation ID: 920730). Invitae Evidence Modeling of protein sequence and biophysical properties (such as structural, functional, and spatial information, amino acid conservation, physicochemical variation, residue mobility, and thermodynamic stability) indicates that this missense variant is expected to disrupt BRIP1 protein function with a positive predictive value of 95%. For these reasons, this variant has been classified as Pathogenic.

Ambry Genetics
Classification: Uncertain significance for Hereditary cancer-predisposing syndrome. Last evaluated: 2024-11-20. Review status: criteria provided, single submitter. Criteria: Ambry Variant Classification Scheme 2023. Collection method: clinical testing. Allele origin: germline.
Comment: The p.E626D variant (also known as c.1878A>T), located in coding exon 12 of the BRIP1 gene, results from an A to T substitution at nucleotide position 1878. The glutamic acid at codon 626 is replaced by aspartic acid, an amino acid with highly similar properties. This alteration was identified in the homozygous state in multiple individuals with a clinical diagnosis of Fanconi anemia (Knies K et al. PLoS One, 2012 Dec;7:e52648; Joshi G et al. J Med Genet, 2023 Aug;60:801-809). This amino acid position is highly conserved in available vertebrate species. In addition, the in silico prediction for this alteration is inconclusive. Based on the available evidence, the clinical significance of this variant remains unclear.

Color Diagnostics, LLC DBA Color Health
Classification: Uncertain significance for Hereditary cancer-predisposing syndrome. Last evaluated: 2024-07-09. Review status: criteria provided, single submitter. Criteria: ACMG Guidelines, 2015. Collection method: clinical testing. Allele origin: germline.
Comment: This missense variant replaces glutamic acid with aspartic acid at codon 626 of the BRIP1 protein. Computational prediction suggests that this variant may not impact protein structure and function. To our knowledge, functional studies have not been reported for this variant. This variant has been reported homozygous in three individuals from a single consanguineous family with Fanconi anemia (PMID: 23285130, 26637282). The variant was also observed to segregate within this family from two heterozygous parents. This variant has been identified in 1/251446 chromosomes in the general population by the Genome Aggregation Database (gnomAD). The available evidence is insufficient to determine the role of this variant in disease conclusively. Therefore, this variant is classified as a Variant of Uncertain Significance.

Literature cited by the submitters: PubMed 26637282 (cited by 3 submitters); PubMed 23285130 (cited by 4 submitters); PubMed 36894310 (cited by Women's Health and Genetics/Laboratory Corporation of America, LabCorp and Ambry Genetics).